The following is an entry in ClinVar:

ClinVar aggregate classification (germline): Likely benign (1 of 4 stars; one submission).

Allele frequency attached by ClinVar (database versions not stated): 1000 Genomes Project 0.00759; 1000 Genomes Project 30x 0.00812; gnomAD 0.02079 and 0.02137; TOPMed 0.02089.
gnomAD v4.1: 3,130 of 150,918 alleles (2.1%); highest among the groups gnomAD compares: Non-Finnish European, 3.4%; 48 homozygotes.

Submission:

GeneDx
Classification: Likely benign. Last evaluated: 2018-06-19. Review status: criteria provided, single submitter. Criteria: GeneDx Variant Classification (06012015). Collection method: clinical testing. Allele origin: germline. Affected: yes.
Comment: This variant is considered likely benign or benign based on one or more of the following criteria: it is a conservative change, it occurs at a poorly conserved position in the protein, it is predicted to be benign by multiple in silico algorithms, and/or has population frequency not consistent with disease.

NM_000026.4(ADSL):c.1102-230C>T

Gene: ADSL (adenylosuccinate lyase; plus strand). Cytogenetic location: 22q13.1.
Variant type: single nucleotide variant.
Coding change: c.1102-230C>T on transcript NM_000026.4 (MANE Select); 230 bases into the intron before coding-DNA position 1102, C replaced by T.
Molecular consequence: intron variant.
Genome position (GRCh38, 1-based): chr22:40,364,046, C>T. VCF-style: chr22-40364046-C-T. GRCh37 (hg19) VCF-style: chr22-40760050-C-T.
Other names: c.1102-230C>T (NM_001363840.3, NM_001123378.3); c.910-230C>T (NM_001317923.2).
Identifiers: ClinVar variation 679276 (VCV000679276.1), dbSNP rs56408831, ClinGen allele CA324459955.